The following is an entry in ClinVar:

ClinVar aggregate classification (germline): Uncertain significance (1 of 4 stars; one submission).

Conditions:
Neuropathy, hereditary sensory and autonomic, type 2A (HSAN2A). Also called: HSAN IIA; WNK1-Related HSAN2 (HSAN2A); ACROOSTEOLYSIS, GIACCAI TYPE; ACROOSTEOLYSIS, NEUROGENIC; MORVAN DISEASE; NEUROPATHY, CONGENITAL SENSORY. Identifiers: Orphanet 970, MedGen C2752089, MONDO:0024309, OMIM 201300.
Pseudohypoaldosteronism type 2C (PHA2C). Also called: Pseudohypoaldosteronism Type IIC. Identifiers: Orphanet 757, Orphanet 88940, MedGen C1840391, MONDO:0013778, OMIM 614492.

Submission:

Labcorp Genetics (formerly Invitae), Labcorp
Classification: Uncertain significance for Neuropathy, hereditary sensory and autonomic, type 2A; Pseudohypoaldosteronism type 2C. Last evaluated: 2023-09-03. Review status: criteria provided, single submitter. Criteria: Invitae Variant Classification Sherloc (09022015). Collection method: clinical testing. Allele origin: germline.
Comment: This variant has not been reported in the literature in individuals affected with WNK1-related conditions. Variants that disrupt the consensus splice site are a relatively common cause of aberrant splicing (PMID: 17576681, 9536098). Algorithms developed to predict the effect of sequence changes on RNA splicing suggest that this variant is not likely to affect RNA splicing. This sequence change falls in intron 5 of the WNK1 gene. It does not directly change the encoded amino acid sequence of the WNK1 protein. It affects a nucleotide within the consensus splice site. This variant is not present in population databases (gnomAD no frequency). In summary, the available evidence is currently insufficient to determine the role of this variant in disease. Therefore, it has been classified as a Variant of Uncertain Significance.

Literature cited by the submitters: PubMed 17576681; PubMed 9536098.

NM_018979.4(WNK1):c.1400+5G>T

Gene: WNK1 (WNK lysine deficient protein kinase 1; plus strand). Cytogenetic location: 12p13.33.
Variant type: single nucleotide variant.
Coding change: c.1400+5G>T on transcript NM_018979.4 (MANE Select); 5 bases into the intron after coding-DNA position 1400, G replaced by T.
Molecular consequence: intron variant.
Genome position (GRCh38, 1-based): chr12:857,254, G>T. VCF-style: chr12-857254-G-T. GRCh37 (hg19) VCF-style: chr12-966420-G-T.
Other names: c.1400+5G>T (NM_213655.5, NM_001184985.2, NM_014823.3).
Identifiers: ClinVar variation 2951547 (VCV002951547.3), dbSNP rs2548597406, ClinGen allele CA2740092309.